The following is an entry in ClinVar:

ClinVar aggregate classification (germline): Uncertain significance (1 of 4 stars; one submission).

Conditions:
Pierson syndrome. Also called: MICROCORIA-CONGENITAL NEPHROTIC SYNDROME. Identifiers: Orphanet 2670, MedGen C1836876, MONDO:0012184, OMIM 609049.
LAMB2-related infantile-onset nephrotic syndrome. Also called: NEPHROTIC SYNDROME, TYPE 5, WITHOUT OCULAR ABNORMALITIES; NEPHROTIC SYNDROME, TYPE 5, WITH OCULAR ABNORMALITIES; Nephrotic Syndrome, type 5. Identifiers: Orphanet 306507, MedGen C3280113, MONDO:0013621, OMIM 614199.

Allele frequency attached by ClinVar (database versions not stated): gnomAD exomes below 0.00001; ExAC 0.00001.
gnomAD v4.1: 3 of 1,614,050 alleles (0.00019%); highest among the groups gnomAD compares: Non-Finnish European, 0.00017%; no homozygotes.

Submission:

Labcorp Genetics (formerly Invitae), Labcorp
Classification: Uncertain significance for LAMB2-related infantile-onset nephrotic syndrome; Pierson syndrome. Last evaluated: 2017-05-27. Review status: criteria provided, single submitter. Criteria: Invitae Variant Classification Sherloc (09022015). Collection method: clinical testing. Allele origin: germline.
Comment: This variant is present in population databases (rs777643155, ExAC 0.001%). This sequence change replaces aspartic acid with glycine at codon 1747 of the LAMB2 protein (p.Asp1747Gly). The aspartic acid residue is highly conserved and there is a moderate physicochemical difference between aspartic acid and glycine. This variant has not been reported in the literature in individuals with a LAMB2-related disease. In summary, this variant has uncertain impact on LAMB2 function. The available evidence is currently insufficient to determine its role in disease. Therefore, it has been classified as a Variant of Uncertain Significance. Algorithms developed to predict the effect of missense changes on protein structure and function (SIFT, PolyPhen-2, Align-GVGD) all suggest that this variant is likely to be tolerated, but these predictions have not been confirmed by published functional studies and their clinical significance is uncertain.

NM_002292.4(LAMB2):c.5240A>G (p.Asp1747Gly)

Gene: LAMB2 (laminin subunit beta 2; minus strand). Cytogenetic location: 3p21.31.
Variant type: single nucleotide variant.
Coding change: c.5240A>G on transcript NM_002292.4 (MANE Select); coding-DNA position 5240, A replaced by G.
Protein change: p.Asp1747Gly; replaces aspartic acid 1747 with glycine.
Molecular consequence: missense variant.
Genome position (GRCh38, 1-based): chr3:49,121,453, T>C on the plus strand (A>G on the coding strand, the complement: LAMB2 is on the minus strand). VCF-style: chr3-49121453-T-C. GRCh37 (hg19) VCF-style: chr3-49158886-T-C.
Other names: short protein forms D1747G.
Identifiers: ClinVar variation 472498 (VCV000472498.5), dbSNP rs777643155, ClinGen allele CA2393578.